The following is an entry in ClinVar:

NM_002693.3(POLG):c.2874G>T (p.Gly958=)

Gene: POLG (DNA polymerase gamma, catalytic subunit; minus strand). Cytogenetic location: 15q26.1.
Variant type: single nucleotide variant.
Coding change: c.2874G>T on transcript NM_002693.3 (MANE Select); coding-DNA position 2874, G replaced by T.
Protein change: p.Gly958=; no amino-acid change (glycine 958 retained).
Molecular consequence: synonymous variant.
Genome position (GRCh38, 1-based): chr15:89,320,873, C>A on the plus strand (G>T on the coding strand, the complement: POLG is on the minus strand). VCF-style: chr15-89320873-C-A. GRCh37 (hg19) VCF-style: chr15-89864104-C-A.
Other names: c.2874G>T, p.Gly958= (NM_001126131.2).
Identifiers: ClinVar variation 619471 (VCV000619471.1), dbSNP rs1567186563, ClinGen allele CA10602248.

ClinVar aggregate classification (germline): Likely benign (1 of 4 stars; one submission).

Conditions:
Progressive sclerosing poliodystrophy (MTDPS4A). Also called: Alpers-Huttenlocher Syndrome (AHS); Alpers Syndrome; ALPERS PROGRESSIVE INFANTILE POLIODYSTROPHY; Mitochondrial DNA depletion syndrome 4A (Alpers type); ALPERS DIFFUSE DEGENERATION OF CEREBRAL GRAY MATTER WITH HEPATIC CIRRHOSIS; Alpers-Huttenlocher Syndrome. Identifiers: Orphanet 726, MedGen C0205710, MONDO:0008758, OMIM 203700.

Submission:

Wong Mito Lab, Molecular and Human Genetics, Baylor College of Medicine
Classification: Likely benign for Progressive sclerosing poliodystrophy. Last evaluated: 2018-10-01. Review status: criteria provided, single submitter. Criteria: ACMG Guidelines, 2015. Collection method: clinical testing. Allele origin: germline.
Comment: The NM_002693.2:c.2874G>T (NP_002684.1:p.Gly958=) [GRCH38: NC_000015.10:g.89320873C>A] variant in POLG gene is interpretated to be a Likely Benign based on ACMG guidelines (PMID: 25741868). This variant meets the following evidence codes reported in the ACMG-guideline. BP4:Computational evidence/predictors indicate no impact on the POLG structure, function, or protein-protein interaction. BP7:The variant is silent with non predicted splice impact. Based on the evidence criteria codes applied, the variant is suggested to be Likely Benign.